The following is an entry in ClinVar:

NM_001042492.3(NF1):c.1894T>A (p.Cys632Ser)

Gene: NF1 (neurofibromin 1; plus strand). Cytogenetic location: 17q11.2.
Variant type: single nucleotide variant.
Coding change: c.1894T>A on transcript NM_001042492.3 (MANE Select); coding-DNA position 1894, T replaced by A.
Protein change: p.Cys632Ser; replaces cysteine 632 with serine.
Molecular consequence: missense variant.
Genome position (GRCh38, 1-based): chr17:31,225,143, T>A. VCF-style: chr17-31225143-T-A. GRCh37 (hg19) VCF-style: chr17-29552161-T-A.
Other names: c.1894T>A, p.Cys632Ser (NM_000267.4); short protein forms C632S.
Identifiers: ClinVar variation 134883 (VCV000134883.27), dbSNP rs370789267, ClinGen allele CA161025.

ClinVar aggregate classification (germline): Conflicting classifications of pathogenicity. Review status: criteria provided, conflicting classifications (1 of 4 stars). 12 submissions from 11 submitters: Uncertain significance (8); Likely benign (3). 1 of the submissions does not count toward it. Last evaluated 2026-01-11.

Conditions:
Hereditary cancer-predisposing syndrome. Also called: Tumor predisposition; Hereditary neoplastic syndrome; Neoplastic Syndromes, Hereditary; Hereditary Cancer Syndrome. Identifiers: Orphanet 140162, MedGen C0027672, MeSH D009386, MONDO:0015356.
Cardiovascular phenotype. Identifiers: MedGen CN230736.
Neurofibromatosis, familial spinal (FSNF). Identifiers: Orphanet 636, MedGen C1834235, MONDO:0008078, OMIM 162210. Disease mechanism: loss of function.
Juvenile myelomonocytic leukemia (JMML). Also called: LEUKEMIA, JUVENILE MYELOMONOCYTIC, SOMATIC. Identifiers: Orphanet 86834, MedGen C0349639, MONDO:0011908, OMIM 607785, HP:0012209.
Neurofibromatosis, type 1 (NF1). Also called: NEUROFIBROMATOSIS, TYPE I, SOMATIC; Peripheral type neurofibromatosis; Neurofibromatosis, type I; VON RECKLINGHAUSEN DISEASE. Identifiers: Orphanet 636, MedGen C0027831, MONDO:0018975, OMIM 162200. Disease mechanism: loss of function.
Neurofibromatosis-Noonan syndrome (NFNS). Also called: NEUROFIBROMATOSIS WITH NOONAN PHENOTYPE. Identifiers: Orphanet 638, MedGen C2931482, MONDO:0011035, OMIM 601321. Disease mechanism: loss of function.
Café-au-lait macules with pulmonary stenosis (WTSN). Also called: PULMONIC STENOSIS WITH CAFE-AU-LAIT SPOTS. Identifiers: MedGen C0553586, MONDO:0008672, OMIM 193520.

Allele frequency attached by ClinVar (database versions not stated): gnomAD exomes 0.00001 and 0.00002; ExAC 0.00003; gnomAD 0.00005; TOPMed 0.00005; ESP Exome Variant Server 0.00008.
gnomAD v4.1: 20 of 1,613,664 alleles (0.0012%); highest among the groups gnomAD compares: African/African-American, 0.0027%; no homozygotes.

Submissions (12):

Labcorp Genetics (formerly Invitae), Labcorp
Classification: Likely benign for Neurofibromatosis, type 1. Last evaluated: 2026-01-11. Review status: criteria provided, single submitter. Criteria: Invitae Variant Classification Sherloc (09022015). Collection method: clinical testing. Allele origin: germline.

Women's Health and Genetics/Laboratory Corporation of America, LabCorp
Classification: Uncertain significance. Last evaluated: 2025-06-02. Review status: criteria provided, single submitter. Criteria: LabCorp Variant Classification Summary - May 2015. Collection method: clinical testing. Allele origin: germline.
Comment: Variant summary: NF1 c.1894T>A (p.Cys632Ser) results in a non-conservative amino acid change in the encoded protein sequence. Algorithms developed to predict the effect of missense changes on protein structure and function are either unavailable or do not agree on the potential impact of this missense change. The variant allele was found at a frequency of 2.4e-05 in 251898 control chromosomes. The available data on variant occurrences in the general population are insufficient to allow any conclusion about variant significance. To our knowledge, no occurrence of c.1894T>A in individuals affected with Neurofibromatosis Type 1 and no experimental evidence demonstrating its impact on protein function have been reported. ClinVar contains an entry for this variant (Variation ID: 134883). Based on the evidence outlined above, the variant was classified as uncertain significance.

Quest Diagnostics Nichols Institute San Juan Capistrano
Classification: Uncertain significance. Last evaluated: 2024-10-10. Review status: criteria provided, single submitter. Criteria: Quest Diagnostics criteria. Collection method: clinical testing. Allele origin: unknown.
Comment: The NF1 c.1894T>A (p.Cys632Ser) variant has been reported in the published literature in individuals with breast cancer (PMID: 33471991 (2021), see also LOVD), in an individual with an unspecified advanced cancer (PMID: 28873162 (2017)), as well as in reportedly healthy individuals (PMID: 24728327 (2014) and 33471991 (2021), see also LOVD). The frequency of this variant in the general population, 0.000047 (6/128992 chromosomes (Genome Aggregation Database)), is uninformative in the assessment of its pathogenicity. Analysis of this variant using bioinformatics tools for the prediction of the effect of amino acid changes on protein structure and function yielded predictions that this variant is benign. Based on the available information, we are unable to determine the clinical significance of this variant.

GeneDx
Classification: Likely benign. Last evaluated: 2023-04-25. Review status: criteria provided, single submitter. Criteria: GeneDx Variant Classification Process June 2021. Collection method: clinical testing. Allele origin: germline. Affected: yes.
Comment: See Variant Classification Assertion Criteria.

Ambry Genetics
Classification: Likely benign for Cardiovascular phenotype; Hereditary cancer-predisposing syndrome. Last evaluated: 2023-03-24. Review status: criteria provided, single submitter. Criteria: Ambry Variant Classification Scheme 2023. Collection method: clinical testing. Allele origin: germline.

Genome-Nilou Lab
Classification: Uncertain significance for Neurofibromatosis, type 1. Last evaluated: 2022-03-15. Review status: criteria provided, single submitter. Criteria: ACMG Guidelines, 2015. Collection method: clinical testing. Allele origin: germline. Affected: no.

Sema4
Classification: Uncertain significance for Hereditary cancer-predisposing syndrome. Last evaluated: 2022-03-10. Review status: criteria provided, single submitter. Criteria: Sema4 Curation Guidelines. Collection method: curation. Allele origin: germline.
Comment: The NF1 c.1894T>A (p.C632S) variant has been reported in heterozygosity in at least one individual with advanced cancer (PMID: 28873162). It has also been reported in a large case-control study in 2/60466 breast cancer cases and 4/53461 controls (PMID: 33471991). This variant was observed in 6/128992 chromosomes in the European (non-Finnish) population according to the Genome Aggregation Database (PMID: 32461654) and has been reported in ClinVar (Variation ID: 134883). Functional studies have not been performed, and in silico predictions of the variant's effect on protein function are inconclusive. Based on the current evidence available, this variant is interpreted as a variant of uncertain significance.

Fulgent Genetics
Classification: Uncertain significance for Neurofibromatosis, type 1; Neurofibromatosis, familial spinal; Café-au-lait macules with pulmonary stenosis; Neurofibromatosis-Noonan syndrome; Juvenile myelomonocytic leukemia. Last evaluated: 2021-11-10. Review status: criteria provided, single submitter. Criteria: ACMG Guidelines, 2015. Collection method: clinical testing. Allele origin: unknown.

Baylor Genetics
Classification: Uncertain significance for Neurofibromatosis, type 1. Last evaluated: 2019-03-22. Review status: criteria provided, single submitter. Criteria: ACMG Guidelines, 2015. Collection method: clinical testing. Allele origin: maternal. Affected: yes. Study: CSER-TexasKidsCanSeq.
Comment: This variant was determined to be of uncertain significance according to ACMG Guidelines, 2015 [PMID:25741868].

Athena Diagnostics
Classification: Uncertain significance. Last evaluated: 2018-03-07. Review status: criteria provided, single submitter. Criteria: Athena Diagnostics Criteria. Collection method: clinical testing. Allele origin: germline.

Ambry Genetics
Classification: Uncertain significance for Hereditary cancer-predisposing syndrome. Last evaluated: 2016-02-22. Review status: criteria provided, single submitter. Criteria: Ambry Autosomal Dominant and X-Linked criteria (10/2015). Collection method: clinical testing. Allele origin: germline. Observed: 1 variant allele.
Comment: The p.C632S variant (also known as c.1894T>A), located in coding exon 17 of the NF1 gene, results from a T to A substitution at nucleotide position 1894. The cysteine at codon 632 is replaced by serine, an amino acid with dissimilar properties.This alteration was previously reported in 1/681 individuals in a healthy, ancestrally diverse cohort via genome sequencing, having been detected in 1/331European individuals in this cohort (BodianDL et al.PLoSONE2014;9(4):e94554). This variant was previously reported in the SNPDatabase as rs370789267. Based on data from the NHLBI Exome Sequencing Project (ESP), the A allele has an overall frequency of approximately 0.01% (1/13006) total alleles studied, having been observed in0.01% (1/8600) European American alleles. To date, this alteration has been detected with an allele frequency of approximately 0.004% (greater than 110000 alleles tested) in our clinical cohort. This amino acid position is well conserved in available vertebrate species. In addition, this alteration is predicted to be tolerated by in silico analysis. Since supporting evidence is limited at this time, the clinical significance of p.C632S remains unclear.

ITMI
No classification provided. Condition: AllHighlyPenetrant. Last evaluated: 2013-09-19. Review status: no classification provided. Collection method: reference population. Allele origin: germline. Not counted in ClinVar's aggregate classification.
Comment: Please see associated publication for description of ethnicities

Literature cited by the submitters: PubMed 24728327 (cited by 3 submitters); PubMed 10678181 (cited by Women's Health and Genetics/Laboratory Corporation of America, LabCorp); PubMed 23460398 (cited by Women's Health and Genetics/Laboratory Corporation of America, LabCorp); PubMed 29872168 (cited by Women's Health and Genetics/Laboratory Corporation of America, LabCorp); PubMed 33471991 (cited by Quest Diagnostics Nichols Institute San Juan Capistrano and Sema4); PubMed 28873162 (cited by Quest Diagnostics Nichols Institute San Juan Capistrano and Sema4).